The following is an entry in ClinVar:

NM_000059.4(BRCA2):c.8273T>C (p.Leu2758Pro)

Gene: BRCA2 (BRCA2 DNA repair associated; plus strand). Cytogenetic location: 13q13.1.
Variant type: single nucleotide variant.
Coding change: c.8273T>C on transcript NM_000059.4 (MANE Select); coding-DNA position 8273, T replaced by C.
Protein change: p.Leu2758Pro; replaces leucine 2758 with proline.
Molecular consequence: missense variant. On other transcripts: non-coding transcript variant (1).
Genome position (GRCh38, 1-based): chr13:32,363,475, T>C. VCF-style: chr13-32363475-T-C. GRCh37 (hg19) VCF-style: chr13-32937612-T-C.
Other names: c.8177T>C, p.Leu2726Pro (NM_001406719.1); c.8273T>C, p.Leu2758Pro (NM_001406720.1); c.3341T>C, p.Leu1114Pro (NM_001406721.1); c.1856T>C, p.Leu619Pro (NM_001406722.1); short protein forms L1114P, L2726P, L2758P, L619P.
Identifiers: ClinVar variation 3070999 (VCV003070999.1), dbSNP rs2548546915, ClinGen allele CA387750053.
Genomic context (GRCh38, chr13:32,363,475, plus strand): 5'-CTGTCTTAAAGAATGGCAGACTGACAGTTGGTCAGAAGATTATTCTTCATGGAGCAGAAC[T>C]GGTGGGCTCTCCTGATGCCTGTACACCTCTTGAAGCCCCAGAATCTCTTATGTTAAAGGT-3'
Protein context (NP_000050.3, residues 2748-2768): GQKIILHGAE[Leu2758Pro]VGSPDACTPL

ClinVar aggregate classification (germline): Uncertain significance (1 of 4 stars; one submission).

Conditions:
Breast-ovarian cancer, familial, susceptibility to, 2 (BROVCA2). Also called: BRCA2 Hereditary Breast and Ovarian Cancer. Identifiers: Orphanet 145, MedGen C2675520, MONDO:0012933, OMIM 612555. Disease mechanism: loss of function.

Allele frequency attached by ClinVar (database versions not stated): gnomAD exomes below 0.00001.
gnomAD v4.1: 1 of 1,614,126 alleles (0.000062%); highest among the groups gnomAD compares: South Asian, 0.0011%; no homozygotes.

Submission:

All of Us Research Program, National Institutes of Health
Classification: Uncertain significance for Breast-ovarian cancer, familial, susceptibility to, 2. Last evaluated: 2023-05-16. Review status: criteria provided, single submitter. Criteria: ACMG Guidelines, 2015. Collection method: clinical testing. Allele origin: germline. Inheritance: Autosomal dominant inheritance. Observed: 1 variant allele, 1 heterozygote.
Comment: This missense variant replaces leucine with proline at codon 2758 of the BRCA2 protein. Computational prediction suggests that this variant may have deleterious impact on protein structure and function (internally defined REVEL score threshold >= 0.7, PMID: 27666373). To our knowledge, functional studies have not been reported for this variant. This variant has not been reported in individuals affected with BRCA2-related disorders in the literature. This variant has not been identified in the general population by the Genome Aggregation Database (gnomAD). The available evidence is insufficient to determine the role of this variant in disease conclusively. Therefore, this variant is classified as a Variant of Uncertain Significance.

This study involves interpretation of variants in research participants for the purpose of population health screening. Participant phenotype was not available at the time of variant classification. Additional details can be found in publication PMID: 35346344, PMCID: PMC8962531